The following is an entry in ClinVar:

NM_000642.3(AGL):c.2929C>T (p.Arg977Ter)

Gene: AGL (amylo-alpha-1,6-glucosidase and 4-alpha-glucanotransferase; plus strand). Cytogenetic location: 1p21.2.
Variant type: single nucleotide variant.
Coding change: c.2929C>T on transcript NM_000642.3 (MANE Select); coding-DNA position 2929, C replaced by T.
Protein change: p.Arg977Ter; replaces arginine 977 with a stop codon.
Molecular consequence: nonsense.
Genome position (GRCh38, 1-based): chr1:99,891,336, C>T. VCF-style: chr1-99891336-C-T. GRCh37 (hg19) VCF-style: chr1-100356892-C-T.
Other names: c.2929C>T, p.Arg977Ter (NM_000028.3, NM_000643.3, NM_000644.3 and 1 more transcripts); c.2881C>T, p.Arg961Ter (NM_000646.3); c.2908C>T, p.Arg970Ter (NM_001425326.1); c.2728C>T, p.Arg910Ter (NM_001425327.1); c.2725C>T, p.Arg909Ter (NM_001425328.1); c.2590C>T, p.Arg864Ter (NM_001425329.1); c.2551C>T, p.Arg851Ter (NM_001425332.1); short protein forms R977*, R961*, R851*, R864*, R909*, R910*, R970*.
Identifiers: ClinVar variation 370992 (VCV000370992.28), dbSNP rs531425980, ClinGen allele CA16040839.
Genomic context (GRCh38, chr1:99,891,336, plus strand): 5'-TGTAATAATTTGAGATCTGGAGATTGGATGATTGACTATGTCAGTAACCGGCTTATTTCA[C>T]GATCAGGAACTATTGCTGAAGTAAGTAGAGCTATATTATCGTCCCAAAAAATCAAGGACA-3'

ClinVar aggregate classification (germline): Pathogenic. Review status: criteria provided, multiple submitters, no conflicts (2 of 4 stars). 11 submissions from 11 submitters: Pathogenic (10). 1 of the submissions does not count toward it. Last evaluated 2025-11-06.

Conditions:
Glycogen storage disease type III (GSD3). Also called: Cori disease; FORBES DISEASE. Identifiers: Orphanet 366, MedGen C0017922, MONDO:0009291, OMIM 232400.

Allele frequency attached by ClinVar (database versions not stated): TOPMed below 0.00001; gnomAD 0.00001; 1000 Genomes Project 30x 0.00016; 1000 Genomes Project 0.00020.
gnomAD v4.1: 7 of 1,613,506 alleles (0.00043%); highest among the groups gnomAD compares: Middle Eastern, 0.017%; no homozygotes.

Submissions (11):

Labcorp Genetics (formerly Invitae), Labcorp
Classification: Pathogenic for Glycogen storage disease type III. Last evaluated: 2025-11-06. Review status: criteria provided, single submitter. Criteria: Invitae Variant Classification Sherloc (09022015). Collection method: clinical testing. Allele origin: germline.
Comment: This sequence change creates a premature translational stop signal (p.Arg977*) in the AGL gene. It is expected to result in an absent or disrupted protein product. Loss-of-function variants in AGL are known to be pathogenic (PMID: 19299494). This variant is present in population databases (rs531425980, gnomAD 0.007%). This premature translational stop signal has been observed in individual(s) with glycogen storage disease type III (PMID: 16705713). ClinVar contains an entry for this variant (Variation ID: 370992). For these reasons, this variant has been classified as Pathogenic.

3billion
Classification: Pathogenic for Glycogen storage disease type III. Last evaluated: 2024-11-24. Review status: criteria provided, single submitter. Criteria: ACMG Guidelines, 2015. Collection method: clinical testing. Allele origin: germline. Affected: yes.
Comment: The variant is observed at an extremely low frequency in the gnomAD v4.1.0 dataset (total allele frequency: <0.001%). Predicted Consequence/Location: Stop-gained (nonsense): predicted to result in a loss or disruption of normal protein function through nonsense-mediated decay (NMD) or protein truncation. Multiple pathogenic variants are reported downstream of the variant. The variant has been reported at least twice as pathogenic with clinical assertions and evidence for the classification (ClinVar ID: VCV000370992 /PMID: 16705713 /3billion dataset). Therefore, this variant is classified as Pathogenic according to the recommendation of ACMG/AMP guideline.

Natera, Inc.
Classification: Pathogenic for Glycogen storage disease type III. Last evaluated: 2024-07-01. Review status: criteria provided, single submitter. Criteria: Natera Variant Classification Schema (03/2026). Collection method: clinical testing. Allele origin: germline.
Comment: The c.2929C>T variant in AGL is a nonsense variant predicted to introduce a stop codon at amino acid 977. This variant is expected to result in nonsense mediated decay, truncation, or a dysfunctional protein product. This variant is rare in the general population with a frequency below the threshold expected for the associated phenotype(s). This variant has been observed in one or more individuals affected with the associated recessive disease, as either homozygous or compound heterozygous with a second variant (PMID: 26984562). Given the available evidence, this variant is classified as Pathogenic.

GeneDx
Classification: Pathogenic. Last evaluated: 2024-04-17. Review status: criteria provided, single submitter. Criteria: GeneDx Variant Classification Process June 2021. Collection method: clinical testing. Allele origin: germline. Affected: yes.
Comment: Nonsense variant predicted to result in protein truncation or nonsense mediated decay in a gene for which loss of function is a known mechanism of disease; Not observed at significant frequency in large population cohorts (gnomAD); This variant is associated with the following publications: (PMID: 25525159, 26984562, 16705713, 33763395, 35257483)

Baylor Genetics
Classification: Pathogenic for Glycogen storage disease type III. Last evaluated: 2024-02-20. Review status: criteria provided, single submitter. Criteria: ACMG Guidelines, 2015. Collection method: clinical testing. Allele origin: unknown.

Revvity Omics, Revvity
Classification: Pathogenic for Glycogen storage disease type III. Last evaluated: 2022-10-07. Review status: criteria provided, single submitter. Criteria: ACMG Guidelines, 2015. Collection method: clinical testing. Allele origin: germline.

Fulgent Genetics
Classification: Pathogenic for Glycogen storage disease type III. Last evaluated: 2021-09-21. Review status: criteria provided, single submitter. Criteria: ACMG Guidelines, 2015. Collection method: clinical testing. Allele origin: unknown.

Genome-Nilou Lab
Classification: Pathogenic for Glycogen storage disease type III. Last evaluated: 2021-07-15. Review status: criteria provided, single submitter. Criteria: ACMG Guidelines, 2015. Collection method: clinical testing. Allele origin: germline. Affected: no.

Women's Health and Genetics/Laboratory Corporation of America, LabCorp
Classification: Pathogenic for Glycogen storage disease type III. Last evaluated: 2017-09-22. Review status: criteria provided, single submitter. Criteria: LabCorp Variant Classification Summary - May 2015. Collection method: clinical testing. Allele origin: germline.
Comment: Variant summary: The AGL c.2929C>T (p.Arg977X) variant results in a premature termination codon, predicted to cause a truncated or absent AGL protein due to nonsense mediated decay, which are commonly known mechanisms for disease. Truncations downstream of this position have been classified as pathogenic by our laboratory (e.g., c.3216_3217delGA [p.Glu1072fsX36] and c.4529dupA [p.Tyr1510X]). MutationTaster predicts a damaging outcome for this variant. This variant was found in 1/30932 control chromosomes at a frequency of 0.0000323, which does not exceed the estimated maximal expected allele frequency of a pathogenic AGL variant (0.0022822). Of note, this is a low-quality site in the gnomAD dataset, which may make interpretation of this data unreliable. The variant has been identified in several compound heterozygote patients diagnosed with GSD III, several of whom were confirmed to have no residual AGL enzyme activity (Paesold-Burda_2007, Lucchiari_2006). One clinical diagnostic laboratory has classified this variant as likely pathogenic. Taken together, this variant is classified as pathogenic.

Juno Genomics, Hangzhou Juno Genomics, Inc
Classification: Pathogenic for Glycogen storage disease type III. Review status: criteria provided, single submitter. Criteria: ACMG Guidelines, 2015. Collection method: clinical testing. Allele origin: germline. Affected: yes.
Comment: Absent from controls (or at extremely low frequency if recessive) in Genome Aggregation Database.;Null variant in a gene where loss of function (LOF) is a known mechanism of disease.;Patient's phenotype or family history is highly specific for a disease with a single genetic etiology.;For recessive disorders, detected in trans with a pathogenic variant.

Counsyl
Classification: Likely pathogenic for Glycogen storage disease type III. Last evaluated: 2016-06-01. Review status: no assertion criteria provided. Collection method: clinical testing. Allele origin: unknown. Not counted in ClinVar's aggregate classification.

Literature cited by the submitters: PubMed 19299494 (cited by Labcorp Genetics (formerly Invitae), Labcorp); PubMed 16705713 (cited by 4 submitters); PubMed 26984562 (cited by 3 submitters); PubMed 17994282 (cited by Women's Health and Genetics/Laboratory Corporation of America, LabCorp and Counsyl); PubMed 24257475 (cited by Women's Health and Genetics/Laboratory Corporation of America, LabCorp).